The following is an entry in ClinVar:

ClinVar aggregate classification (germline): Likely pathogenic. Review status: reviewed by expert panel (3 of 4 stars). 2 submissions from 2 submitters: Likely pathogenic (1). 1 of the submissions does not count toward it. Last evaluated 2026-09-26.

Conditions:
Juvenile retinoschisis (RS1). Also called: X-linked retinoschisis; X-Linked Juvenile Retinoschisis. Identifiers: Orphanet 792, MedGen C3714753, MONDO:0010725, OMIM 312700.

Submissions (2):

ClinGen X-linked Inherited Retinal Disease Variant Curation Expert Panel, ClinGen
Classification: Likely pathogenic for Juvenile retinoschisis. Last evaluated: 2026-09-26. Review status: reviewed by expert panel. Criteria: ClinGen X LinkedIRD ACMG Specifications RS1 V1.0.0. Collection method: curation. Allele origin: germline. Inheritance: X-linked inheritance.
Comment: The NM_000330.4(RS1):c.215A>T (p.Glu72Val) variant is a missense variant encoding the substitution of glutamic acid and Valine at amino acid 72. This variant is absent from hemizygous individuals in gnomAD v4.1.0 (PM2_Supporting). The computational predictor REVEL gives a score of 0.967, which is above the ClinGen X-linked IRD VCEP threshold of >0.932 and predicts a damaging effect on RS1 function (PP3_strong). The computational splicing predictor SpliceAI gives a delta score of 0.12 for acceptor gain, which is below the ClinGen X-linked IRD VCEP threshold of >0.2 and does not predict that the variant disrupts RS1 splicing. Another two missense variants in the same codon, NM_000330.4(RS1):c.214G>C (p.Glu72Gln), (PMIDs: 19390641, 11295123, 28348004, 36460718, 39462066, 35456481) and NM_000330.4(RS1):c.214G>A (p.Glu72Lys) (PMIDs: 23288992, 11246454, 30025115, 28348004, 19324861, 22245991, 32531858, 29851975, 12746437) have been classified as pathogenic for X-linked retinoschisis by the ClinGen X-linked IRD VCEP, while no benign missense variants have been identified in this codon. The present variant has a higher Grantham’s distance (121) than the comparison variants (29, 56), and SpliceAI has been used to confirm that neither variant has a predicted impact on RS1 splicing (PM5). The p.Plu72Val variant in the NDP gene is a missense substitution that alters a critical cysteine residue involved in disulfide bond formation, as established by the ClinGen X-linked IRD VCEP (PMID: 27114531). While this functional importance supports consideration of PM1, the concurrent application of PP3 at the strong level renders PM1 inapplicable per ACMG/AMP guidelines. As a result, the PM1 criterion is considered unmet for this variant. This variant has been reported in at least 1 proband meeting the PS4 requirement of a male diagnosed with XLRS (PMID: 34645606). PS4_Supporting requires at least 2 unrelated probands, so this criterion was not met. In summary, this variant is classified as likely pathogenic for X-linked retinoschisis based on the ClinGen X-linked Inherited Retinal Disease Expert Panel Specifications to the ACMG/AMP Variant Interpretation Guidelines for RS1 Version 1.0.0: PM2_Supporting, PP3_Strong, and PM5.

Labcorp Genetics (formerly Invitae), Labcorp
Classification: Pathogenic. Last evaluated: 2024-11-11. Review status: criteria provided, single submitter. Criteria: Invitae Variant Classification Sherloc (09022015). Collection method: clinical testing. Allele origin: germline. Not counted in ClinVar's aggregate classification.
Comment: This sequence change replaces glutamic acid, which is acidic and polar, with valine, which is neutral and non-polar, at codon 72 of the RS1 protein (p.Glu72Val). This variant is not present in population databases (gnomAD no frequency). This missense change has been observed in individual(s) with retinoschisis (PMID: 34645606; internal data). ClinVar contains an entry for this variant (Variation ID: 1994509). Invitae Evidence Modeling of protein sequence and biophysical properties (such as structural, functional, and spatial information, amino acid conservation, physicochemical variation, residue mobility, and thermodynamic stability) indicates that this missense variant is expected to disrupt RS1 protein function with a positive predictive value of 95%. This variant disrupts the p.Glu72 amino acid residue in RS1. Other variant(s) that disrupt this residue have been determined to be pathogenic (PMID: 9618178, 20809529, 28272453, 30652005). This suggests that this residue is clinically significant, and that variants that disrupt this residue are likely to be disease-causing. For these reasons, this variant has been classified as Pathogenic.

Literature cited by the submitters: PubMed 34645606 (cited by Labcorp Genetics (formerly Invitae), Labcorp); PubMed 9618178 (cited by Labcorp Genetics (formerly Invitae), Labcorp); PubMed 20809529 (cited by Labcorp Genetics (formerly Invitae), Labcorp); PubMed 28272453 (cited by Labcorp Genetics (formerly Invitae), Labcorp); PubMed 30652005 (cited by Labcorp Genetics (formerly Invitae), Labcorp).

NM_000330.4(RS1):c.215A>T (p.Glu72Val)

Genes: CDKL5 (cyclin dependent kinase like 5; plus strand), RS1 (retinoschisin 1; minus strand). Cytogenetic location: Xp22.13.
Variant type: single nucleotide variant.
Coding change: c.215A>T on transcript NM_000330.4 (MANE Select); coding-DNA position 215, A replaced by T.
Protein change: p.Glu72Val; replaces glutamic acid 72 with valine.
Molecular consequence: missense variant. On other transcripts: intron variant (2).
Genome position (GRCh38, 1-based): chrX:18,647,302, T>A on the plus strand (A>T on the coding strand, the complement: RS1 is on the minus strand). VCF-style: chrX-18647302-T-A. GRCh37 (hg19) VCF-style: chrX-18665422-T-A.
Other names: NM_000330.4(RS1):c.215A>T; p.Glu72Val; c.2797+1212T>A (NM_003159.3, NM_001037343.2); short protein forms E72V.
Identifiers: ClinVar variation 1994509 (VCV001994509.5), dbSNP rs1927823799, ClinGen allele CA412372957.